The following is an entry in ClinVar:

ClinVar aggregate classification (germline): Uncertain significance. Review status: criteria provided, multiple submitters, no conflicts (2 of 4 stars). 2 submissions from 2 submitters: Uncertain significance (2). Last evaluated 2024-08-20.

Conditions:
Hereditary cancer-predisposing syndrome. Also called: Neoplastic Syndromes, Hereditary; Tumor predisposition; Hereditary neoplastic syndrome; Hereditary Cancer Syndrome. Identifiers: Orphanet 140162, MedGen C0027672, MeSH D009386, MONDO:0015356.

Allele frequency attached by ClinVar (database versions not stated): gnomAD exomes below 0.00001; ExAC 0.00001.
gnomAD v4.1: 1 of 1,612,526 alleles (0.000062%); highest among the groups gnomAD compares: Non-Finnish European, 0.000085%; no homozygotes.

Submissions (2):

Ambry Genetics
Classification: Uncertain significance for Hereditary cancer-predisposing syndrome. Last evaluated: 2024-08-20. Review status: criteria provided, single submitter. Criteria: Ambry Variant Classification Scheme 2023. Collection method: clinical testing. Allele origin: germline.
Comment: The p.I1894V variant (also known as c.5680A>G), located in coding exon 42 of the POLE gene, results from an A to G substitution at nucleotide position 5680. The isoleucine at codon 1894 is replaced by valine, an amino acid with highly similar properties. This amino acid position is conserved. In addition, this alteration is predicted to be tolerated by in silico analysis. Based on the available evidence, the clinical significance of this variant remains unclear.

Labcorp Genetics (formerly Invitae), Labcorp
Classification: Uncertain significance. Last evaluated: 2021-06-17. Review status: criteria provided, single submitter. Criteria: Invitae Variant Classification Sherloc (09022015). Collection method: clinical testing. Allele origin: germline.
Comment: This sequence change replaces isoleucine with valine at codon 1894 of the POLE protein (p.Ile1894Val). The isoleucine residue is moderately conserved and there is a small physicochemical difference between isoleucine and valine. This variant is present in population databases (rs756275127, ExAC 0.002%). This variant has not been reported in the literature in individuals with POLE-related conditions. Algorithms developed to predict the effect of missense changes on protein structure and function are either unavailable or do not agree on the potential impact of this missense change (SIFT: "Tolerated"; PolyPhen-2: "Possibly Damaging"; Align-GVGD: "Class C0"). In summary, the available evidence is currently insufficient to determine the role of this variant in disease. Therefore, it has been classified as a Variant of Uncertain Significance.

NM_006231.4(POLE):c.5680A>G (p.Ile1894Val)

Gene: POLE (DNA polymerase epsilon, catalytic subunit; minus strand). Cytogenetic location: 12q24.33.
Variant type: single nucleotide variant.
Coding change: c.5680A>G on transcript NM_006231.4 (MANE Select); coding-DNA position 5680, A replaced by G.
Protein change: p.Ile1894Val; replaces isoleucine 1894 with valine.
Molecular consequence: missense variant.
Genome position (GRCh38, 1-based): chr12:132,636,023, T>C on the plus strand (A>G on the coding strand, the complement: POLE is on the minus strand). VCF-style: chr12-132636023-T-C. GRCh37 (hg19) VCF-style: chr12-133212609-T-C.
Other names: c.5680A>G (NM_006231.2); short protein forms I1894V.
Identifiers: ClinVar variation 1388990 (VCV001388990.9), dbSNP rs756275127, ClinGen allele CA6892419.